The following is an entry in ClinVar:

ClinVar aggregate classification (germline): Uncertain significance (1 of 4 stars; one submission).

Conditions:
Lipoic acid synthetase deficiency. Also called: HYPERGLYCINEMIA, LACTIC ACIDOSIS, AND SEIZURES. Identifiers: Orphanet 401859, MedGen C3280887, MONDO:0013762, OMIM 614462.

Allele frequency attached by ClinVar (database versions not stated): ExAC 0.00001; gnomAD exomes 0.00001.

Submission:

Labcorp Genetics (formerly Invitae), Labcorp
Classification: Uncertain significance for Lipoic acid synthetase deficiency. Last evaluated: 2021-03-03. Review status: criteria provided, single submitter. Criteria: Invitae Variant Classification Sherloc (09022015). Collection method: clinical testing. Allele origin: germline.
Comment: In summary, the available evidence is currently insufficient to determine the role of this variant in disease. Therefore, it has been classified as a Variant of Uncertain Significance. Algorithms developed to predict the effect of missense changes on protein structure and function output the following: SIFT: "Tolerated"; PolyPhen-2: "Benign"; Align-GVGD: "Class C0". The asparagine amino acid residue is found in multiple mammalian species, suggesting that this missense change does not adversely affect protein function. These predictions have not been confirmed by published functional studies and their clinical significance is uncertain. This variant has not been reported in the literature in individuals with LIAS-related conditions. This variant is present in population databases (rs761633225, ExAC 0.006%). This sequence change replaces aspartic acid with asparagine at codon 7 of the LIAS protein (p.Asp7Asn). The aspartic acid residue is weakly conserved and there is a small physicochemical difference between aspartic acid and asparagine.

NM_006859.4(LIAS):c.19G>A (p.Asp7Asn)

Genes: LIAS (lipoic acid synthetase; plus strand), LOC112939935 (Sharpr-MPRA regulatory region 11886; plus strand). Cytogenetic location: 4p14.
Variant type: single nucleotide variant.
Coding change: c.19G>A on transcript NM_006859.4 (MANE Select); coding-DNA position 19, G replaced by A.
Protein change: p.Asp7Asn; replaces aspartic acid 7 with asparagine.
Molecular consequence: missense variant.
Genome position (GRCh38, 1-based): chr4:39,459,136, G>A. VCF-style: chr4-39459136-G-A. GRCh37 (hg19) VCF-style: chr4-39460756-G-A.
Other names: c.19G>A, p.Asp7Asn (NM_001278590.2, NM_001278591.2, NM_001278592.2 and 2 more transcripts); short protein forms D7N.
Identifiers: ClinVar variation 1347824 (VCV001347824.8), dbSNP rs761633225, ClinGen allele CA2894535.